The following is an entry in ClinVar:

ClinVar aggregate classification (germline): Uncertain significance (1 of 4 stars; one submission).

Allele frequency attached by ClinVar (database versions not stated): gnomAD 0.00001; gnomAD exomes 0.00001; TOPMed 0.00001.
gnomAD v4.1: 9 of 1,613,852 alleles (0.00056%); highest among the groups gnomAD compares: Admixed American, 0.0033%; 1 homozygote.

Submission:

Laboratorio de Genetica e Diagnostico Molecular, Hospital Israelita Albert Einstein
Classification: Uncertain significance. Last evaluated: 2021-12-07. Review status: criteria provided, single submitter. Criteria: ACMG Guidelines, 2015. Collection method: clinical testing. Allele origin: germline. Affected: yes.
Comment: ACMG classification criteria: PM2, BP4

NM_004423.4(DVL3):c.1574C>T (p.Pro525Leu)

Gene: DVL3 (dishevelled segment polarity protein 3; plus strand). Cytogenetic location: 3q27.1.
Variant type: single nucleotide variant.
Coding change: c.1574C>T on transcript NM_004423.4 (MANE Select); coding-DNA position 1574, C replaced by T.
Protein change: p.Pro525Leu; replaces proline 525 with leucine.
Molecular consequence: missense variant.
Genome position (GRCh38, 1-based): chr3:184,170,081, C>T. VCF-style: chr3-184170081-C-T. GRCh37 (hg19) VCF-style: chr3-183887869-C-T.
Other names: short protein forms P525L.
Identifiers: ClinVar variation 1690524 (VCV001690524.2), dbSNP rs1412133111, ClinGen allele CA355414841.
Genomic context (GRCh38, chr3:184,170,081, plus strand): 5'-CTCTCCACGATCACGATGGCTCCAGTGGCGCCTCTGACCAGGACACACTGGCCCCTTTGC[C>T]GCACCCGGGGGCCGCCCCTTGGCCCATGGCTTTCCCGTACCAGTACCCGCCACCCCCGCA-3'
Protein context (NP_004414.3, residues 515-535): ASDQDTLAPL[Pro525Leu]HPGAAPWPMA